The following is an entry in ClinVar:

ClinVar aggregate classification (germline): Uncertain significance (1 of 4 stars; one submission).

Conditions:
Hyperphosphatasia with intellectual disability syndrome 5 (GPIBD11). Also called: GLYCOSYLPHOSPHATIDYLINOSITOL BIOSYNTHESIS DEFECT 11. Identifiers: Orphanet 247262, MedGen C4014958, MONDO:0014457, OMIM 616025.

gnomAD v4.1: 66 of 1,614,062 alleles (0.0041%); highest among the groups gnomAD compares: Non-Finnish European, 0.0055%; no homozygotes.

Submission:

Labcorp Genetics (formerly Invitae), Labcorp
Classification: Uncertain significance for Hyperphosphatasia with intellectual disability syndrome 5. Last evaluated: 2021-05-19. Review status: criteria provided, single submitter. Criteria: Invitae Variant Classification Sherloc (09022015). Collection method: clinical testing. Allele origin: germline.
Comment: This sequence change replaces leucine with valine at codon 344 of the PIGW protein (p.Leu344Val). The leucine residue is moderately conserved and there is a small physicochemical difference between leucine and valine. This variant is present in population databases (rs371945461, ExAC 0.004%). This variant has not been reported in the literature in individuals with PIGW-related conditions. Algorithms developed to predict the effect of missense changes on protein structure and function are either unavailable or do not agree on the potential impact of this missense change (SIFT: "Tolerated"; PolyPhen-2: "Possibly Damaging"; Align-GVGD: "Class C0"). In summary, the available evidence is currently insufficient to determine the role of this variant in disease. Therefore, it has been classified as a Variant of Uncertain Significance.

NM_001346754.2(PIGW):c.1030T>G (p.Leu344Val)

Genes: MYO19 (myosin XIX; minus strand), PIGW (phosphatidylinositol glycan anchor biosynthesis class W; plus strand). Cytogenetic location: 17q12.
Variant type: single nucleotide variant.
Coding change: c.1030T>G on transcript NM_001346754.2 (MANE Select); coding-DNA position 1030, T replaced by G.
Protein change: p.Leu344Val; replaces leucine 344 with valine.
Molecular consequence: missense variant.
Genome position (GRCh38, 1-based): chr17:36,538,131, T>G. VCF-style: chr17-36538131-T-G. GRCh37 (hg19) VCF-style: chr17-34893980-T-G.
Other names: c.1030T>G, p.Leu344Val (NM_001346755.2, NM_178517.5); short protein forms L344V.
Identifiers: ClinVar variation 1432773 (VCV001432773.8), dbSNP rs371945461, ClinGen allele CA290116525.